The following is an entry in ClinVar:

ClinVar aggregate classification (germline): Pathogenic (1 of 4 stars; one submission).

Conditions:
Familial thoracic aortic aneurysm and aortic dissection (TAAD). Also called: Thoracic aortic aneurysms and dissections. Identifiers: Orphanet 91387, MedGen C4707243, MONDO:0019625.

Submission:

Ambry Genetics
Classification: Pathogenic for Familial thoracic aortic aneurysm and aortic dissection. Last evaluated: 2017-12-18. Review status: criteria provided, single submitter. Criteria: Ambry Variant Classification Scheme 2023. Collection method: clinical testing. Allele origin: germline.
Comment: The c.1427dupG pathogenic mutation, located in coding exon 11 of the FBN1 gene, results from a duplication of G at nucleotide position 1427, causing a translational frameshift with a predicted alternate stop codon (p.C476Wfs*15). This alteration is expected to result in loss of function by premature protein truncation or nonsense-mediated mRNA decay. As such, this alteration is interpreted as a disease-causing mutation.

NM_000138.5(FBN1):c.1427dup (p.Cys476fs)

Gene: FBN1 (fibrillin 1; minus strand). Cytogenetic location: 15q21.1.
Variant type: Duplication.
Coding change: c.1427dup on transcript NM_000138.5 (MANE Select); coding-DNA position 1427, one base duplicated (G; older notation c.1427dupG).
Protein change: p.Cys476fs; shifts the reading frame from cysteine 476.
Molecular consequence: frameshift variant.
Genome position (GRCh38, 1-based): chr15:48,515,428, C duplicated on the plus strand (G on the coding strand, the reverse complement: FBN1 is on the minus strand). VCF-style (leftmost placement, unchanged base first): chr15-48515427-G-GC. GRCh37 (hg19) VCF-style: chr15-48807624-G-GC.
Other names: c.1427dup, p.Cys476Trpfs (NM_001406716.1); c.1427dupG (NM_000138.4); short protein forms C476fs.
Identifiers: ClinVar variation 1772400 (VCV001772400.2), dbSNP rs2505617507, ClinGen allele CA2580089690.